The following is an entry in ClinVar:

ClinVar aggregate classification (germline): Uncertain significance. Review status: criteria provided, multiple submitters, no conflicts (2 of 4 stars). 2 submissions from 2 submitters: Uncertain significance (2). Last evaluated 2024-05-31.

Conditions:
Tuberous sclerosis 2 (TSC2). Identifiers: Orphanet 805, MedGen C1860707, MONDO:0013199, OMIM 613254.
Hereditary cancer-predisposing syndrome. Also called: Neoplastic Syndromes, Hereditary; Hereditary Cancer Syndrome; Tumor predisposition; Hereditary neoplastic syndrome. Identifiers: Orphanet 140162, MedGen C0027672, MeSH D009386, MONDO:0015356.

Submissions (2):

Labcorp Genetics (formerly Invitae), Labcorp
Classification: Uncertain significance for Tuberous sclerosis 2. Last evaluated: 2024-05-31. Review status: criteria provided, single submitter. Criteria: Invitae Variant Classification Sherloc (09022015). Collection method: clinical testing. Allele origin: germline.
Comment: This sequence change replaces glycine, which is neutral and non-polar, with valine, which is neutral and non-polar, at codon 1091 of the TSC2 protein (p.Gly1091Val). This variant is not present in population databases (gnomAD no frequency). This variant has not been reported in the literature in individuals affected with TSC2-related conditions. ClinVar contains an entry for this variant (Variation ID: 2564632). Advanced modeling of protein sequence and biophysical properties (such as structural, functional, and spatial information, amino acid conservation, physicochemical variation, residue mobility, and thermodynamic stability) performed at Invitae indicates that this missense variant is not expected to disrupt TSC2 protein function with a negative predictive value of 95%. In summary, the available evidence is currently insufficient to determine the role of this variant in disease. Therefore, it has been classified as a Variant of Uncertain Significance.

Ambry Genetics
Classification: Uncertain significance for Hereditary cancer-predisposing syndrome. Last evaluated: 2023-05-26. Review status: criteria provided, single submitter. Criteria: Ambry Variant Classification Scheme 2023. Collection method: clinical testing. Allele origin: germline.
Comment: The p.G1091V variant (also known as c.3272G>T), located in coding exon 27 of the TSC2 gene, results from a G to T substitution at nucleotide position 3272. The glycine at codon 1091 is replaced by valine, an amino acid with dissimilar properties. This amino acid position is poorly conserved in available vertebrate species. In addition, the in silico prediction for this alteration is inconclusive. Since supporting evidence is limited at this time, the clinical significance of this alteration remains unclear.

NM_000548.5(TSC2):c.3272G>T (p.Gly1091Val)

Gene: TSC2 (TSC complex subunit 2; plus strand). Cytogenetic location: 16p13.3.
Variant type: single nucleotide variant.
Coding change: c.3272G>T on transcript NM_000548.5 (MANE Select); coding-DNA position 3272, G replaced by T.
Protein change: p.Gly1091Val; replaces glycine 1091 with valine.
Molecular consequence: missense variant. On other transcripts: non-coding transcript variant (5).
Genome position (GRCh38, 1-based): chr16:2,079,416, G>T. VCF-style: chr16-2079416-G-T. GRCh37 (hg19) VCF-style: chr16-2129417-G-T.
Other names: c.1796G>T, p.Gly599Val (NM_001406695.1, NM_001406696.1, NM_001406697.1 and 1 more transcripts); c.1538G>T, p.Gly513Val (NM_001406698.1); c.3143G>T, p.Gly1048Val (NM_021055.3, NM_001363528.2, NM_001370405.1); c.3140G>T, p.Gly1047Val (NM_001077183.3, NM_001370404.1, NM_001406665.1); c.3272G>T, p.Gly1091Val (NM_001114382.3); c.3032G>T, p.Gly1011Val (NM_001318827.2); c.2996G>T, p.Gly999Val (NM_001318829.2); c.2540G>T, p.Gly847Val (NM_001318831.2, NM_001406687.1, NM_001406688.1); and 18 more; short protein forms G1028V, G1091V, G847V, G890V, G894V, G1041V, G1077V, G1078V.
Identifiers: ClinVar variation 2564632 (VCV002564632.5), dbSNP rs2089845275, ClinGen allele CA394286262.